The following is an entry in ClinVar:

ClinVar aggregate classification (germline): Likely pathogenic (1 of 4 stars; one submission).

Conditions:
Distal myopathy with posterior leg and anterior hand involvement. Also called: WILLIAMS DISTAL MYOPATHY. Identifiers: Orphanet 63273, MedGen C3279722, MONDO:0013550, OMIM 614065.
Myofibrillar myopathy 5. Also called: Filaminopathy (type); FILAMINOPATHY, AUTOSOMAL DOMINANT. Identifiers: Orphanet 171445, MedGen C1836050, MONDO:0012289, OMIM 609524.
Hypertrophic cardiomyopathy 26. Also called: Cardiomyopathy, familial hypertrophic, 26. Identifiers: Orphanet 75249, MedGen C4310749, MONDO:0014883, OMIM 617047.

gnomAD v4.1: 1 of 1,614,106 alleles (0.000062%); highest among the groups gnomAD compares: Non-Finnish European, 0.000085%; no homozygotes.

Submission:

Juno Genomics, Hangzhou Juno Genomics, Inc
Classification: Likely pathogenic for Hypertrophic cardiomyopathy 26; Distal myopathy with posterior leg and anterior hand involvement; Myofibrillar myopathy 5. Review status: criteria provided, single submitter. Criteria: ACMG Guidelines, 2015. Collection method: clinical testing. Allele origin: germline.
Comment: Absent from controls (or at extremely low frequency if recessive) in Genome Aggregation Database.;Multiple lines of computational evidence support a deleterious effect on the gene or gene product.;Missense variant in a gene that has a low rate of benign missense variation.

NM_001458.5(FLNC):c.4271G>T (p.Gly1424Val)

Gene: FLNC (filamin C; plus strand). Cytogenetic location: 7q32.1.
Variant type: single nucleotide variant.
Coding change: c.4271G>T on transcript NM_001458.5 (MANE Select); coding-DNA position 4271, G replaced by T.
Protein change: p.Gly1424Val; replaces glycine 1424 with valine.
Molecular consequence: missense variant.
Genome position (GRCh38, 1-based): chr7:128,846,888, G>T. VCF-style: chr7-128846888-G-T. GRCh37 (hg19) VCF-style: chr7-128486942-G-T.
Other names: c.4271G>T, p.Gly1424Val (NM_001127487.2); short protein forms G1424V.
Identifiers: ClinVar variation 3382769 (VCV003382769.3).